The following is an entry in ClinVar:

NM_000498.3(CYP11B2):c.726del (p.Ser243fs)

Genes: CYP11B2 (cytochrome P450 family 11 subfamily B member 2; minus strand), LOC106799834 (CYP11B2 recombination region; plus strand). Cytogenetic location: 8q24.3.
Variant type: Deletion.
Coding change: c.726del on transcript NM_000498.3 (MANE Select); coding-DNA position 726, one base deleted (G; older notation c.726delG).
Protein change: p.Ser243fs; shifts the reading frame from serine 243.
Molecular consequence: frameshift variant.
Genome position (GRCh38, 1-based): chr8:142,914,778, C deleted on the plus strand (G on the coding strand, the reverse complement: CYP11B2 is on the minus strand); the first of 2 consecutive C bases (chr8:142,914,778-142,914,779); deleting either gives the same sequence. VCF-style (leftmost placement, unchanged base first): chr8-142914777-TC-T. GRCh37 (hg19) VCF-style: chr8-143996193-TC-T.
Other names: short protein forms S243fs.
Identifiers: ClinVar variation 2844300 (VCV002844300.5), dbSNP rs2488700399, ClinGen allele CA2688873541.

ClinVar aggregate classification (germline): Pathogenic/Likely pathogenic. Review status: criteria provided, multiple submitters, no conflicts (2 of 4 stars). 2 submissions from 2 submitters: Pathogenic (1); Likely pathogenic (1). Last evaluated 2025-08-31.

Conditions:
Corticosterone methyl oxidase type II deficiency.

Submissions (2):

Labcorp Genetics (formerly Invitae), Labcorp
Classification: Pathogenic. Last evaluated: 2025-08-31. Review status: criteria provided, single submitter. Criteria: Invitae Variant Classification Sherloc (09022015). Collection method: clinical testing. Allele origin: germline.
Comment: This sequence change creates a premature translational stop signal (p.Ser243Alafs*53) in the CYP11B2 gene. It is expected to result in an absent or disrupted protein product. Loss-of-function variants in CYP11B2 are known to be pathogenic (PMID: 20494601, 22801770, 26936515). This variant is not present in population databases (gnomAD no frequency). This variant has not been reported in the literature in individuals affected with CYP11B2-related conditions. ClinVar contains an entry for this variant (Variation ID: 2844300). For these reasons, this variant has been classified as Pathogenic.

Natera, Inc.
Classification: Likely pathogenic for Corticosterone methyl oxidase type II deficiency. Last evaluated: 2025-02-10. Review status: criteria provided, single submitter. Criteria: Natera Variant Classification Schema (03/2026). Collection method: clinical testing. Allele origin: germline.
Comment: The c.726del variant in CYP11B2 is a frameshift variant predicted to shift the reading frame beginning at codon 243 and leads to a stop codon 53 codons downstream. This variant is expected to result in nonsense mediated decay, truncation, or a dysfunctional protein product. This variant is rare in the general population with a frequency below the threshold expected for the associated phenotype(s). Given the available evidence, this variant is classified as Likely Pathogenic.

Literature cited by the submitters: PubMed 20494601 (cited by Labcorp Genetics (formerly Invitae), Labcorp); PubMed 22801770 (cited by Labcorp Genetics (formerly Invitae), Labcorp); PubMed 26936515 (cited by Labcorp Genetics (formerly Invitae), Labcorp).